The following is an entry in ClinVar:

ClinVar aggregate classification (germline): Uncertain significance (1 of 4 stars; one submission).

Submission:

GeneDx
Classification: Uncertain significance. Last evaluated: 2025-01-03. Review status: criteria provided, single submitter. Criteria: GeneDx Variant Classification Process June 2021. Collection method: clinical testing. Allele origin: germline. Affected: yes.
Comment: Not observed at significant frequency in large population cohorts (gnomAD); In silico analysis indicates that this missense variant does not alter protein structure/function; Has not been previously published as pathogenic or benign to our knowledge

NM_001039591.3(USP9X):c.1273G>T (p.Ala425Ser)

Gene: USP9X (ubiquitin specific peptidase 9 X-linked; plus strand). Cytogenetic location: Xp11.4.
Variant type: single nucleotide variant.
Coding change: c.1273G>T on transcript NM_001039591.3 (MANE Select); coding-DNA position 1273, G replaced by T.
Protein change: p.Ala425Ser; replaces alanine 425 with serine.
Molecular consequence: missense variant.
Genome position (GRCh38, 1-based): chrX:41,143,402, G>T. VCF-style: chrX-41143402-G-T. GRCh37 (hg19) VCF-style: chrX-41002655-G-T.
Other names: c.1273G>T, p.Ala425Ser (NM_001039590.3, NM_001410748.1, NM_001410749.1); short protein forms A425S.
Identifiers: ClinVar variation 4055768 (VCV004055768.1).